The following is an entry in ClinVar:

ClinVar aggregate classification (germline): Uncertain significance (1 of 4 stars; one submission).

Conditions:
MEGF10-related myopathy (CMYO10A). Also called: Congenital myopathy 10A, severe variant. Identifiers: Orphanet 439212, MedGen C3280679, MONDO:0013731, OMIM 614399.

Allele frequency attached by ClinVar (database versions not stated): gnomAD 0.00001.
gnomAD v4.1: 3 of 1,613,842 alleles (0.00019%); highest among the groups gnomAD compares: Non-Finnish European, 0.00025%; no homozygotes.

Submission:

Labcorp Genetics (formerly Invitae), Labcorp
Classification: Uncertain significance for MEGF10-related myopathy. Last evaluated: 2020-08-26. Review status: criteria provided, single submitter. Criteria: Invitae Variant Classification Sherloc (09022015). Collection method: clinical testing. Allele origin: germline.
Comment: In summary, the available evidence is currently insufficient to determine the role of this variant in disease. Therefore, it has been classified as a Variant of Uncertain Significance. Algorithms developed to predict the effect of missense changes on protein structure and function are either unavailable or do not agree on the potential impact of this missense change (SIFT: "Deleterious"; PolyPhen-2: "Probably Damaging"; Align-GVGD: "Class C0"). This variant has not been reported in the literature in individuals with MEGF10-related conditions. This variant is not present in population databases (ExAC no frequency). This sequence change replaces threonine with alanine at codon 896 of the MEGF10 protein (p.Thr896Ala). The threonine residue is highly conserved and there is a small physicochemical difference between threonine and alanine.

NM_001256545.2(MEGF10):c.2686A>G (p.Thr896Ala)

Gene: MEGF10 (multiple EGF like domains 10; plus strand). Cytogenetic location: 5q23.2.
Variant type: single nucleotide variant.
Coding change: c.2686A>G on transcript NM_001256545.2 (MANE Select); coding-DNA position 2686, A replaced by G.
Protein change: p.Thr896Ala; replaces threonine 896 with alanine.
Molecular consequence: missense variant.
Genome position (GRCh38, 1-based): chr5:127,445,651, A>G. VCF-style: chr5-127445651-A-G. GRCh37 (hg19) VCF-style: chr5-126781343-A-G.
Other names: c.2686A>G, p.Thr896Ala (NM_032446.3); short protein forms T896A.
Identifiers: ClinVar variation 1008853 (VCV001008853.9), dbSNP rs1318829482, ClinGen allele CA360734934.